The following is an entry in ClinVar:

NM_001204.7(BMPR2):c.2118G>T (p.Leu706Phe)

Gene: BMPR2 (bone morphogenetic protein receptor type 2; plus strand). Cytogenetic location: 2q33.2.
Variant type: single nucleotide variant.
Coding change: c.2118G>T on transcript NM_001204.7 (MANE Select); coding-DNA position 2118, G replaced by T.
Protein change: p.Leu706Phe; replaces leucine 706 with phenylalanine.
Molecular consequence: missense variant.
Genome position (GRCh38, 1-based): chr2:202,555,783, G>T. VCF-style: chr2-202555783-G-T. GRCh37 (hg19) VCF-style: chr2-203420506-G-T.
Other names: short protein forms L706F.
Identifiers: ClinVar variation 4214504 (VCV004214504.1).

ClinVar aggregate classification (germline): Uncertain significance (1 of 4 stars; one submission).

Conditions:
Inborn genetic diseases. Identifiers: MedGen C0950123, MeSH D030342.

Submission:

Ambry Genetics
Classification: Uncertain significance for Inborn genetic diseases. Last evaluated: 2025-08-15. Review status: criteria provided, single submitter. Criteria: Ambry Variant Classification Scheme 2023. Collection method: clinical testing. Allele origin: germline.
Comment: The p.L706F variant (also known as c.2118G>T), located in coding exon 12 of the BMPR2 gene, results from a G to T substitution at nucleotide position 2118. The leucine at codon 706 is replaced by phenylalanine, an amino acid with highly similar properties. This amino acid position is conserved. In addition, the in silico prediction for this alteration is inconclusive. Based on the available evidence, the clinical significance of this variant remains unclear.